The following is an entry in ClinVar:

ClinVar aggregate classification (germline): Uncertain significance (1 of 4 stars; one submission).

gnomAD v4.1: 19 of 1,613,804 alleles (0.0012%); highest among the groups gnomAD compares: Admixed American, 0.0017%; no homozygotes.

Submission:

Labcorp Genetics (formerly Invitae), Labcorp
Classification: Uncertain significance. Last evaluated: 2025-07-13. Review status: criteria provided, single submitter. Criteria: Invitae Variant Classification Sherloc (09022015). Collection method: clinical testing. Allele origin: germline.
Comment: This sequence change replaces proline, which is neutral and non-polar, with arginine, which is basic and polar, at codon 1495 of the POLR1A protein (p.Pro1495Arg). This variant is present in population databases (rs781462327, gnomAD 0.003%). This variant has not been reported in the literature in individuals affected with POLR1A-related conditions. Invitae Evidence Modeling of protein sequence and biophysical properties (such as structural, functional, and spatial information, amino acid conservation, physicochemical variation, residue mobility, and thermodynamic stability) indicates that this missense variant is not expected to disrupt POLR1A protein function with a negative predictive value of 80%. In summary, the available evidence is currently insufficient to determine the role of this variant in disease. Therefore, it has been classified as a Variant of Uncertain Significance.

NM_015425.6(POLR1A):c.4484C>G (p.Pro1495Arg)

Gene: POLR1A (RNA polymerase I subunit A; minus strand). Cytogenetic location: 2p11.2.
Variant type: single nucleotide variant.
Coding change: c.4484C>G on transcript NM_015425.6 (MANE Select); coding-DNA position 4484, C replaced by G.
Protein change: p.Pro1495Arg; replaces proline 1495 with arginine.
Molecular consequence: missense variant.
Genome position (GRCh38, 1-based): chr2:86,031,424, G>C on the plus strand (C>G on the coding strand, the complement: POLR1A is on the minus strand). VCF-style: chr2-86031424-G-C. GRCh37 (hg19) VCF-style: chr2-86258547-G-C.
Other names: short protein forms P1495R.
Identifiers: ClinVar variation 4745750 (VCV004745750.1).